The following is an entry in ClinVar:

ClinVar aggregate classification (germline): Uncertain significance (1 of 4 stars; one submission).

Conditions:
Neuropathy, hereditary sensory and autonomic, type 2A (HSAN2A). Also called: ACROOSTEOLYSIS, GIACCAI TYPE; ACROOSTEOLYSIS, NEUROGENIC; MORVAN DISEASE; NEUROPATHY, CONGENITAL SENSORY; NEUROPATHY, HEREDITARY SENSORY RADICULAR, AUTOSOMAL RECESSIVE; NEUROPATHY, HEREDITARY SENSORY, TYPE IIA. Identifiers: Orphanet 970, MedGen C2752089, MONDO:0024309, OMIM 201300.
Pseudohypoaldosteronism type 2C (PHA2C). Also called: Pseudohypoaldosteronism Type IIC. Identifiers: Orphanet 757, Orphanet 88940, MedGen C1840391, MONDO:0013778, OMIM 614492.

gnomAD v4.1: 9 of 1,613,804 alleles (0.00056%); highest among the groups gnomAD compares: Admixed American, 0.013%; no homozygotes.

Submission:

Labcorp Genetics (formerly Invitae), Labcorp
Classification: Uncertain significance for Neuropathy, hereditary sensory and autonomic, type 2A; Pseudohypoaldosteronism type 2C. Last evaluated: 2025-11-22. Review status: criteria provided, single submitter. Criteria: Invitae Variant Classification Sherloc (09022015). Collection method: clinical testing. Allele origin: germline.
Comment: This sequence change replaces proline, which is neutral and non-polar, with arginine, which is basic and polar, at codon 1007 of the WNK1 protein (p.Pro1007Arg). This variant is not present in population databases (gnomAD no frequency). This variant has not been reported in the literature in individuals affected with WNK1-related conditions. ClinVar contains an entry for this variant (Variation ID: 2039853). Invitae Evidence Modeling of protein sequence and biophysical properties (such as structural, functional, and spatial information, amino acid conservation, physicochemical variation, residue mobility, and thermodynamic stability) indicates that this missense variant is not expected to disrupt WNK1 protein function with a negative predictive value of 95%. In summary, the available evidence is currently insufficient to determine the role of this variant in disease. Therefore, it has been classified as a Variant of Uncertain Significance.

NM_213655.5(WNK1):c.3020C>G (p.Pro1007Arg)

Gene: WNK1 (WNK lysine deficient protein kinase 1; plus strand). Cytogenetic location: 12p13.33.
Variant type: single nucleotide variant.
Coding change: c.3020C>G on transcript NM_213655.5 (MANE Plus Clinical); coding-DNA position 3020, C replaced by G.
Protein change: p.Pro1007Arg; replaces proline 1007 with arginine.
Molecular consequence: missense variant. On other transcripts: intron variant (2).
Genome position (GRCh38, 1-based): chr12:868,491, C>G. VCF-style: chr12-868491-C-G. GRCh37 (hg19) VCF-style: chr12-977657-C-G.
Other names: c.2765C>G, p.Pro922Arg (NM_001184985.2); c.2140-2774C>G (NM_018979.4, NM_014823.3); short protein forms P922R, P1007R.
Identifiers: ClinVar variation 2039853 (VCV002039853.4), dbSNP rs539230381, ClinGen allele CA231499213.